The following is an entry in ClinVar:

NM_020408.6(LYRM4):c.208-5T>C

Genes: LYRM4 (LYR motif containing 4; minus strand), LYRM4-AS1 (LYRM4 antisense RNA 1; plus strand). Cytogenetic location: 6p25.1.
Variant type: single nucleotide variant.
Coding change: c.208-5T>C on transcript NM_020408.6 (MANE Select); 5 bases into the intron before coding-DNA position 208, T replaced by C.
Molecular consequence: intron variant.
Genome position (GRCh38, 1-based): chr6:5,109,496, A>G on the plus strand (T>C on the coding strand, the complement: LYRM4 is on the minus strand). VCF-style: chr6-5109496-A-G. GRCh37 (hg19) VCF-style: chr6-5109730-A-G.
Other names: c.208-40830T>C (NM_001318783.1); c.*42-5T>C (NM_001164841.3).
Identifiers: ClinVar variation 3030682 (VCV003030682.2), dbSNP rs2481029268, ClinGen allele CA2740094269.

ClinVar aggregate classification (germline): Likely benign (0 of 4 stars; one submission).

Conditions:
LYRM4-related disorder. Also called: LYRM4-related condition.

Submission:

PreventionGenetics, part of Exact Sciences
Classification: Likely benign for LYRM4-related condition. Last evaluated: 2021-03-02. Review status: no assertion criteria provided. Collection method: clinical testing. Allele origin: germline.
Comment: This variant is classified as likely benign based on ACMG/AMP sequence variant interpretation guidelines (Richards et al. 2015 PMID: 25741868, with internal and published modifications).